The following is an entry in ClinVar:

ClinVar aggregate classification (germline): Conflicting classifications of pathogenicity. Review status: criteria provided, conflicting classifications (1 of 4 stars). 2 submissions from 1 submitter: Uncertain significance (1); Likely benign (1). Last evaluated 2018-01-13.

Conditions:
Retinitis pigmentosa (RP). Identifiers: Orphanet 791, MedGen C0035334, MeSH D012174, MONDO:0019200, OMIM 268000. Inheritance: Autosomal dominant, autosomal recessive and X linked inheritance.
Bardet-Biedl syndrome 3 (BBS3). Identifiers: Orphanet 110, MedGen C1859564, MONDO:0010832, OMIM 600151.

Allele frequency attached by ClinVar (database versions not stated): 1000 Genomes Project 30x 0.00500; 1000 Genomes Project 0.00519; TOPMed 0.00650.

Submissions (2):

Illumina Laboratory Services, Illumina
Classification: Uncertain significance for Retinitis pigmentosa. Last evaluated: 2018-01-13. Review status: criteria provided, single submitter. Criteria: ICSL Variant Classification Criteria 13 December 2019. Collection method: clinical testing. Allele origin: germline.

Illumina Laboratory Services, Illumina
Classification: Likely benign for Bardet-Biedl syndrome 3. Last evaluated: 2018-01-13. Review status: criteria provided, single submitter. Criteria: ICSL Variant Classification Criteria 13 December 2019. Collection method: clinical testing. Allele origin: germline.
Comment: This variant was observed in the ICSL laboratory as part of a predisposition screen in an ostensibly healthy population. It had not been previously curated by ICSL or reported in the Human Gene Mutation Database (HGMD: prior to June 1st, 2018), and was therefore a candidate for classification through an automated scoring system. Utilizing variant allele frequency, disease prevalence and penetrance estimates, and inheritance mode, an automated score was calculated to assess if this variant is too frequent to cause the disease. Based on the score and internal cut-off values, a variant classified as likely benign is not then subjected to further curation. The score for this variant resulted in a classification of likely benign for this disease.

NM_001278293.3(ARL6):c.-27-1461A>T

Gene: ARL6 (ARF like GTPase 6; plus strand). Cytogenetic location: 3q11.2.
Variant type: single nucleotide variant.
Coding change: c.-27-1461A>T on transcript NM_001278293.3 (MANE Select); 1461 bases into the intron before 27 bases upstream of the start codon, A replaced by T.
Molecular consequence: intron variant.
Genome position (GRCh38, 1-based): chr3:97,766,620, A>T. VCF-style: chr3-97766620-A-T. GRCh37 (hg19) VCF-style: chr3-97485464-A-T.
Other names: c.-28+531A>T (NM_032146.5); c.-86-12A>T (NM_177976.3); c.-27-1461A>T (NM_001323513.2, NM_001323514.2).
Identifiers: ClinVar variation 346941 (VCV000346941.5), dbSNP rs143739859, ClinGen allele CA10619735.